The following is an entry in ClinVar:

NM_001037.5(SCN1B):c.335C>G (p.Thr112Ser)

Gene: SCN1B (sodium voltage-gated channel beta subunit 1; plus strand). Cytogenetic location: 19q13.11.
Variant type: single nucleotide variant.
Coding change: c.335C>G on transcript NM_001037.5 (MANE Select); coding-DNA position 335, C replaced by G.
Protein change: p.Thr112Ser; replaces threonine 112 with serine.
Molecular consequence: missense variant.
Genome position (GRCh38, 1-based): chr19:35,033,626, C>G. VCF-style: chr19-35033626-C-G. GRCh37 (hg19) VCF-style: chr19-35524530-C-G.
Other names: c.335C>G (NM_001037.4); c.236C>G, p.Thr79Ser (NM_001321605.2); c.335C>G, p.Thr112Ser (NM_199037.5); short protein forms T112S, T79S.
Identifiers: ClinVar variation 4701356 (VCV004701356.2).

ClinVar aggregate classification (germline): Uncertain significance. Review status: criteria provided, multiple submitters, no conflicts (2 of 4 stars). 2 submissions from 2 submitters: Uncertain significance (2). Last evaluated 2026-01-05.

Conditions:
Brugada syndrome 5 (BRGDA5). Identifiers: Orphanet 130, Orphanet 871, MedGen C2748541, MONDO:0013015, OMIM 612838.
Cardiovascular phenotype. Identifiers: MedGen CN230736.

gnomAD v4.1: 6 of 1,614,080 alleles (0.00037%); highest among the groups gnomAD compares: Non-Finnish European, 0.00051%; no homozygotes.

Submissions (2):

Labcorp Genetics (formerly Invitae), Labcorp
Classification: Uncertain significance for Brugada syndrome 5. Last evaluated: 2026-01-05. Review status: criteria provided, single submitter. Criteria: Invitae Variant Classification Sherloc (09022015). Collection method: clinical testing. Allele origin: germline.
Comment: This sequence change replaces threonine, which is neutral and polar, with serine, which is neutral and polar, at codon 112 of the SCN1B protein (p.Thr112Ser). This variant is present in population databases (no rsID available, gnomAD 0.007%). This variant has not been reported in the literature in individuals affected with SCN1B-related conditions. An algorithm developed to predict the effect of missense changes on protein structure and function (PolyPhen-2) suggests that this variant is likely to be disruptive. In summary, the available evidence is currently insufficient to determine the role of this variant in disease. Therefore, it has been classified as a Variant of Uncertain Significance.

Ambry Genetics
Classification: Uncertain significance for Cardiovascular phenotype. Last evaluated: 2025-12-19. Review status: criteria provided, single submitter. Criteria: Ambry Variant Classification Scheme 2023. Collection method: clinical testing. Allele origin: germline.
Comment: The p.T112S variant (also known as c.335C>G), located in coding exon 3 of the SCN1B gene, results from a C to G substitution at nucleotide position 335. The threonine at codon 112 is replaced by serine, an amino acid with similar properties. This amino acid position is conserved. In addition, this alteration is predicted to be tolerated by in silico analysis. Based on the available evidence, the clinical significance of this variant remains unclear.